The following is an entry in ClinVar:

ClinVar aggregate classification (germline): Uncertain significance (1 of 4 stars; one submission).

Conditions:
Idiopathic Pulmonary Fibrosis. Also called: Idiopathic fibrosing alveolitis, chronic form; idiopathic fibrosing alveolitis. Identifiers: Orphanet 2032, MedGen C1800706, MeSH D054990, MONDO:0800504.
Dyskeratosis congenita, autosomal dominant 2. Identifiers: MedGen C3151443, MONDO:0013521, OMIM 613989.

Allele frequency attached by ClinVar (database versions not stated): gnomAD exomes below 0.00001.
gnomAD v4.1: 3 of 1,549,844 alleles (0.00019%); highest among the groups gnomAD compares: East Asian, 0.0024%; no homozygotes.

Submission:

Labcorp Genetics (formerly Invitae), Labcorp
Classification: Uncertain significance for Dyskeratosis congenita, autosomal dominant 2; Idiopathic Pulmonary Fibrosis. Last evaluated: 2023-05-17. Review status: criteria provided, single submitter. Criteria: Invitae Variant Classification Sherloc (09022015). Collection method: clinical testing. Allele origin: germline.
Comment: In summary, the available evidence is currently insufficient to determine the role of this variant in disease. Therefore, it has been classified as a Variant of Uncertain Significance. Advanced modeling of protein sequence and biophysical properties (such as structural, functional, and spatial information, amino acid conservation, physicochemical variation, residue mobility, and thermodynamic stability) has been performed at Invitae for this missense variant, however the output from this modeling did not meet the statistical confidence thresholds required to predict the impact of this variant on TERT protein function. This variant has not been reported in the literature in individuals affected with TERT-related conditions. This variant is not present in population databases (gnomAD no frequency). This sequence change replaces serine, which is neutral and polar, with leucine, which is neutral and non-polar, at codon 656 of the TERT protein (p.Ser656Leu).

NM_198253.3(TERT):c.1967C>T (p.Ser656Leu)

Gene: TERT (telomerase reverse transcriptase; minus strand). Cytogenetic location: 5p15.33.
Variant type: single nucleotide variant.
Coding change: c.1967C>T on transcript NM_198253.3 (MANE Select); coding-DNA position 1967, C replaced by T.
Protein change: p.Ser656Leu; replaces serine 656 with leucine.
Molecular consequence: missense variant. On other transcripts: non-coding transcript variant (2).
Genome position (GRCh38, 1-based): chr5:1,279,454, G>A on the plus strand (C>T on the coding strand, the complement: TERT is on the minus strand). VCF-style: chr5-1279454-G-A. GRCh37 (hg19) VCF-style: chr5-1279569-G-A.
Other names: c.1967C>T, p.Ser656Leu (NM_001193376.3, NM_003219.1); short protein forms S656L.
Identifiers: ClinVar variation 2930965 (VCV002930965.3), dbSNP rs2478277429, ClinGen allele CA359080851.